The following is an entry in ClinVar:

ClinVar aggregate classification (germline): Uncertain significance (1 of 4 stars; one submission).

Conditions:
Pelizaeus-Merzbacher disease. Also called: LEUKODYSTROPHY, HYPOMYELINATING, 1; Sudanophilic leukodystrophy; Pelizaeus-Merzbacher spectrum disorder; Pelizaeus-Merzbacher Disease (PMD); Pelizeaus-Merzbacher spectrum disorder. Identifiers: Orphanet 702, MedGen C0205711, MONDO:0010714, OMIM 312080, HP:0003269.

Submission:

Molecular Diagnostics Lab, Nemours Children's Health, Delaware
Classification: Uncertain significance for Pelizaeus-Merzbacher disease. Last evaluated: 2021-02-26. Review status: criteria provided, single submitter. Criteria: ACMG Guidelines, 2015. Collection method: clinical testing. Allele origin: maternal, unknown. Inheritance: X-linked inheritance. Affected: yes and no. Observed: 4 heterozygotes, 1 hemizygote. Clinical features observed: Nystagmus (HP:0000639), Hypotonia (HP:0001252), Hyporeflexia (HP:0001265), Stridor (HP:0010307).
Comment: This missense variant (c.212T>A, p.Val71Asp) has not been observed in population databases (gnomAD). It has been described in the literature (PMID 18470932). Variant prediction programs suggest a deleterious effect on the PLP1 protein, but no functional studies have been published.

Literature cited by the submitters: PubMed 18470932.

NM_000533.5(PLP1):c.212T>A (p.Val71Asp)

Genes: PLP1 (proteolipid protein 1; plus strand), RAB9B (RAB9B, member RAS oncogene family; minus strand). Cytogenetic location: Xq22.2.
Variant type: single nucleotide variant.
Coding change: c.212T>A on transcript NM_000533.5 (MANE Select); coding-DNA position 212, T replaced by A.
Protein change: p.Val71Asp; replaces valine 71 with aspartic acid.
Molecular consequence: missense variant.
Genome position (GRCh38, 1-based): chrX:103,786,485, T>A. VCF-style: chrX-103786485-T-A. GRCh37 (hg19) VCF-style: chrX-103041414-T-A.
Other names: c.212T>A, p.Val71Asp (NM_001128834.3, NM_199478.3); c.47T>A, p.Val16Asp (NM_001305004.1); short protein forms V16D, V71D.
Identifiers: ClinVar variation 3255409 (VCV003255409.2), dbSNP rs2522306682.